The following is an entry in ClinVar:

NM_001014437.3(CARS1):c.568C>T (p.Arg190Trp)

Genes: CARS1-AS1 (CARS1 antisense RNA 1; plus strand), CARS1 (cysteinyl-tRNA synthetase 1; minus strand). Cytogenetic location: 11p15.4.
Variant type: single nucleotide variant.
Coding change: c.568C>T on transcript NM_001014437.3 (MANE Select); coding-DNA position 568, C replaced by T.
Protein change: p.Arg190Trp; replaces arginine 190 with tryptophan.
Molecular consequence: missense variant. On other transcripts: non-coding transcript variant (4).
Genome position (GRCh38, 1-based): chr11:3,039,277, G>A on the plus strand (C>T on the coding strand, the complement: CARS1 is on the minus strand). VCF-style: chr11-3039277-G-A. GRCh37 (hg19) VCF-style: chr11-3060507-G-A.
Other names: c.568C>T, p.Arg190Trp (NM_001194997.2); c.358C>T, p.Arg120Trp (NM_001378136.1); c.289C>T, p.Arg97Trp (NM_001378137.1, NM_001378138.1, NM_001378139.1); c.43C>T, p.Arg15Trp (NM_001378140.1); c.319C>T, p.Arg107Trp (NM_001751.6, NM_139273.4); short protein forms R107W, R120W, R15W, R190W, R97W.
Identifiers: ClinVar variation 3037395 (VCV003037395.9), dbSNP rs149387799, ClinGen allele CA5824337.

ClinVar aggregate classification (germline): Uncertain significance. Review status: criteria provided, single submitter (1 of 4 stars). 2 submissions from 2 submitters: Uncertain significance (1). 1 of the submissions does not count toward it. Last evaluated 2025-09-01.

Conditions:
CARS1-related disorder. Also called: CARS1-related condition.

Allele frequency attached by ClinVar (database versions not stated): 1000 Genomes Project 30x 0.00016; 1000 Genomes Project 0.00020; TOPMed 0.00051; ExAC 0.00058; gnomAD 0.00068; ESP Exome Variant Server 0.00100; gnomAD exomes 0.00120.
gnomAD v4.1: 1,804 of 1,612,082 alleles (0.11%); highest among the groups gnomAD compares: Non-Finnish European, 0.14%; 5 homozygotes.

Submissions (2):

CeGaT Center for Human Genetics Tuebingen
Classification: Uncertain significance. Last evaluated: 2025-09-01. Review status: criteria provided, single submitter. Criteria: CeGaT Center For Human Genetics Tuebingen Variant Classification Criteria Version 2. Collection method: clinical testing. Allele origin: germline. Affected: yes. Observed: 1 variant allele.
Comment: CARS1: PM2:Supporting

PreventionGenetics, part of Exact Sciences
Classification: Likely benign for CARS1-related condition. Last evaluated: 2023-02-16. Review status: no assertion criteria provided. Collection method: clinical testing. Allele origin: germline. Not counted in ClinVar's aggregate classification.
Comment: This variant is classified as likely benign based on ACMG/AMP sequence variant interpretation guidelines (Richards et al. 2015 PMID: 25741868, with internal and published modifications).